The following is an entry in ClinVar:

ClinVar aggregate classification (germline): Pathogenic. Review status: reviewed by expert panel (3 of 4 stars). 2 submissions from 2 submitters: Pathogenic (1). 1 of the submissions does not count toward it. Last evaluated 2017-12-15.

Conditions:
Breast-ovarian cancer, familial, susceptibility to, 1 (BROVCA1). Also called: OVARIAN CANCER, SUSCEPTIBILITY TO; BRCA1 Hereditary Breast and Ovarian Cancer. Identifiers: Orphanet 145, MedGen C2676676, MONDO:0011450, OMIM 604370. Disease mechanism: loss of function.
Familial cancer of breast. Also called: Hereditary breast cancer; hereditary breast carcinoma; BREAST CANCER, FAMILIAL. Identifiers: Orphanet 227535, MedGen C0346153, MONDO:0016419, OMIM 114480. Disease mechanism: loss of function.

Submissions (2):

Evidence-based Network for the Interpretation of Germline Mutant Alleles (ENIGMA)
Classification: Pathogenic for Breast-ovarian cancer, familial, susceptibility to, 1. Last evaluated: 2017-12-15. Review status: reviewed by expert panel. Criteria: ENIGMA BRCA1/2 Classification Criteria (2017-06-29). Collection method: curation. Allele origin: germline. Study: ENIGMA.
Comment: Variant allele predicted to encode a truncated non-functional protein.

ClinVar Staff, National Center for Biotechnology Information (NCBI)
No classification provided. Condition: Familial cancer of breast. Review status: no classification provided. Collection method: literature only. Allele origin: germline. Affected: yes. Not counted in ClinVar's aggregate classification.

Literature cited by the submitters: PubMed 21702907 (cited by ClinVar Staff, National Center for Biotechnology Information (NCBI)).

NM_007294.4(BRCA1):c.2679_2680del (p.Lys894fs)

Gene: BRCA1 (BRCA1 DNA repair associated; minus strand). Cytogenetic location: 17q21.31.
Variant type: Deletion.
Coding change: c.2679_2680del on transcript NM_007294.4 (MANE Select); coding-DNA positions 2679 to 2680, 2 bases deleted (GA; older notation c.2679_2680delGA).
Protein change: p.Lys894fs; shifts the reading frame from lysine 894.
Molecular consequence: frameshift variant. On other transcripts: intron variant (137).
Genome position (GRCh38, 1-based): chr17:43,092,851-43,092,852, TC deleted on the plus strand (GA on the coding strand, the reverse complement: BRCA1 is on the minus strand); deleting any 2 consecutive bases within chr17:43,092,851-43,092,853 gives the same sequence; the c. name uses the placement nearest the transcript's 3' end. VCF-style (leftmost placement, unchanged base first): chr17-43092850-TTC-T. GRCh37 (hg19) VCF-style: chr17-41244867-TTC-T.
Other names: c.2679_2680delGA (NM_007294.3); c.2469_2470del, p.Lys824fs (NM_001407889.1, NM_001407900.1, NM_001407902.1 and 13 more transcripts); c.2466_2467del, p.Lys823fs (NM_001407894.1, NM_001407895.1, NM_001407896.1 and 9 more transcripts); c.2556_2557del, p.Lys853fs (NM_001407919.1, NM_001407937.1, NM_001407938.1 and 19 more transcripts); c.2415_2416del, p.Lys806fs (NM_001407920.1, NM_001407921.1, NM_001407922.1 and 9 more transcripts); c.2412_2413del, p.Lys805fs (NM_001407930.1, NM_001407931.1, NM_001407932.1 and 2 more transcripts); c.2553_2554del, p.Lys852fs (NM_001407940.1, NM_001407941.1, NM_001407649.1 and 11 more transcripts); c.2538_2539del, p.Lys847fs (NM_001407942.1, NM_001407944.1, NM_001407945.1 and 29 more transcripts); and 42 more; short protein forms K847fs, K894fs, K726fs, K766fs, K824fs, K853fs, K867fs, K782fs.
Identifiers: ClinVar variation 54641 (VCV000054641.3), dbSNP rs397508995, ClinGen allele CA001755.
Genomic context (GRCh38, chr17:43,092,850, plus strand): 5'-TCATTCTTTCCTTGATTTTCTTCCTTTTGTTCACATTCAAAAGTGACTTTTGGACTTTGT[TTC>T]TTTAAGGACCCAGAGTGGGCAGAGAATGTTGCACATTCCTCTTCTGCATTTCCTGGATTT-3'